The following is an entry in ClinVar:

ClinVar aggregate classification (germline): Uncertain significance (1 of 4 stars; one submission).

Submission:

Labcorp Genetics (formerly Invitae), Labcorp
Classification: Uncertain significance. Last evaluated: 2025-06-18. Review status: criteria provided, single submitter. Criteria: Invitae Variant Classification Sherloc (09022015). Collection method: clinical testing. Allele origin: germline.
Comment: This variant, c.1217_1219del, results in the deletion of 1 amino acid(s) of the BACH2 protein (p.Thr406del), but otherwise preserves the integrity of the reading frame. This variant is not present in population databases (gnomAD no frequency). This variant has not been reported in the literature in individuals affected with BACH2-related conditions. Experimental studies and prediction algorithms are not available or were not evaluated, and the functional significance of this variant is currently unknown. In summary, the available evidence is currently insufficient to determine the role of this variant in disease. Therefore, it has been classified as a Variant of Uncertain Significance.

NM_021813.4(BACH2):c.1217_1219del (p.Thr406del)

Gene: BACH2 (BACH transcriptional regulator 2; minus strand). Cytogenetic location: 6q15.
Variant type: Deletion.
Coding change: c.1217_1219del on transcript NM_021813.4 (MANE Select); coding-DNA positions 1217 to 1219, 3 bases deleted (CCA; older notation c.1217_1219delCCA).
Protein change: p.Thr406del; deletes threonine 406.
Molecular consequence: inframe deletion.
Genome position (GRCh38, 1-based): chr6:89,950,887-89,950,889, TGG deleted on the plus strand (CCA on the coding strand, the reverse complement: BACH2 is on the minus strand); deleting any 3 consecutive bases within chr6:89,950,887-89,950,891 gives the same sequence; the c. name uses the placement nearest the transcript's 3' end. VCF-style (leftmost placement, unchanged base first): chr6-89950886-ATGG-A. GRCh37 (hg19) VCF-style: chr6-90660605-ATGG-A.
Other names: c.1217_1219del, p.Thr406del (NM_001170794.2); short protein forms T406del.
Identifiers: ClinVar variation 4721697 (VCV004721697.1).
Genomic context (GRCh38, chr6:89,950,886, plus strand): 5'-TCCAGCTCTCCCTCCTGTTTACAGAGAGCCTCCAACCCAGGCCCCCTGAGGGGCGACCCC[ATGG>A]TGAAGTTGGACACCTCCTTCTGGCCCACGTGGGGCTGTCCATAATTCCCTGTGAAAGGGG-3'